The following is an entry in ClinVar:

NM_006946.4(SPTBN2):c.1402G>A (p.Glu468Lys)

Gene: SPTBN2 (spectrin beta, non-erythrocytic 2; minus strand). Cytogenetic location: 11q13.2.
Variant type: single nucleotide variant.
Coding change: c.1402G>A on transcript NM_006946.4 (MANE Select); coding-DNA position 1402, G replaced by A.
Protein change: p.Glu468Lys; replaces glutamic acid 468 with lysine.
Molecular consequence: missense variant.
Genome position (GRCh38, 1-based): chr11:66,707,767, C>T on the plus strand (G>A on the coding strand, the complement: SPTBN2 is on the minus strand). VCF-style: chr11-66707767-C-T. GRCh37 (hg19) VCF-style: chr11-66475238-C-T.
Other names: c.1423G>A, p.Glu475Lys (NM_001411025.1); c.1402G>A, p.Glu468Lys (NM_001437541.1); short protein forms E468K, E475K.
Identifiers: ClinVar variation 4882583 (VCV004882583.2).

ClinVar aggregate classification (germline): Uncertain significance (1 of 4 stars; one submission).

gnomAD v4.1: 1 of 1,608,970 alleles (0.000062%); highest among the groups gnomAD compares: African/African-American, 0.0013%; no homozygotes.

Submission:

Dasa
Classification: Uncertain significance. Last evaluated: 2025-05-21. Review status: criteria provided, single submitter. Criteria: DASA Assertion Criteria. Collection method: clinical testing. Allele origin: germline.
Comment: NM_006946.4(SPTBN2):c.1402G>A (p.Glu468Lys) is a missense variant that results in the substitution of glutamic acid with lysine. This variant is rare in population databases. Computational prediction algorithms are consistent with a benign effect. The currently available literature and clinical evidence are not sufficient to establish a definitive association between this variant and the reported condition. Therefore, this variant is classified as a variant of uncertain significance.